The following is an entry in ClinVar:

NM_017534.6(MYH2):c.3871+5C>T

Genes: MYH2 (myosin heavy chain 2; minus strand), MYHAS (myosin heavy chain gene cluster antisense RNA; plus strand). Cytogenetic location: 17p13.1.
Variant type: single nucleotide variant.
Coding change: c.3871+5C>T on transcript NM_017534.6 (MANE Select); 5 bases into the intron after coding-DNA position 3871, C replaced by T.
Molecular consequence: intron variant.
Genome position (GRCh38, 1-based): chr17:10,527,743, G>A on the plus strand (C>T on the coding strand, the complement: MYH2 is on the minus strand). VCF-style: chr17-10527743-G-A. GRCh37 (hg19) VCF-style: chr17-10431060-G-A.
Other names: c.3871+5C>T (NM_001100112.2).
Identifiers: ClinVar variation 2983529 (VCV002983529.3), dbSNP rs2073371360, ClinGen allele CA2247278717.
Genomic context (GRCh38, chr17:10,527,743, plus strand): 5'-ATCAGTCCGTTGTTCTTAATCACATCCTCTCCACCCTGAAGCTGCACAGAAGAGGGGAGA[G>A]TTACCAGATTCAGTCTGCAGGCGCCCCCTCTGCGCAGTCAGGTCATTGATCAGCCGCTGC-3'

ClinVar aggregate classification (germline): Uncertain significance (1 of 4 stars; one submission).

Conditions:
Myopathy, proximal, and ophthalmoplegia (CMYO6). Also called: MYOPATHY WITH CONGENITAL JOINT CONTRACTURES, OPHTHALMOPLEGIA, AND RIMMED VACUOLES; INCLUSION BODY MYOPATHY 3, AUTOSOMAL DOMINANT; CONGENITAL MYOPATHY 6 WITH OPHTHALMOPLEGIA. Identifiers: Orphanet 363677, Orphanet 79091, MedGen C1854106, MONDO:0011577, OMIM 605637.

Allele frequency attached by ClinVar (database versions not stated): gnomAD exomes below 0.00001.

Submission:

Labcorp Genetics (formerly Invitae), Labcorp
Classification: Uncertain significance for Myopathy, proximal, and ophthalmoplegia. Last evaluated: 2023-05-29. Review status: criteria provided, single submitter. Criteria: Invitae Variant Classification Sherloc (09022015). Collection method: clinical testing. Allele origin: germline.
Comment: In summary, the available evidence is currently insufficient to determine the role of this variant in disease. Therefore, it has been classified as a Variant of Uncertain Significance. Variants that disrupt the consensus splice site are a relatively common cause of aberrant splicing (PMID: 17576681, 9536098). Algorithms developed to predict the effect of sequence changes on RNA splicing suggest that this variant is not likely to affect RNA splicing. This variant has not been reported in the literature in individuals affected with MYH2-related conditions. This variant is not present in population databases (gnomAD no frequency). This sequence change falls in intron 28 of the MYH2 gene. It does not directly change the encoded amino acid sequence of the MYH2 protein. It affects a nucleotide within the consensus splice site.

Literature cited by the submitters: PubMed 17576681; PubMed 9536098.